The following is an entry in ClinVar:

NM_144997.7(FLCN):c.1415C>T (p.Pro472Leu)

Gene: FLCN (folliculin; minus strand). Cytogenetic location: 17p11.2.
Variant type: single nucleotide variant.
Coding change: c.1415C>T on transcript NM_144997.7 (MANE Select); coding-DNA position 1415, C replaced by T.
Protein change: p.Pro472Leu; replaces proline 472 with leucine.
Molecular consequence: missense variant.
Genome position (GRCh38, 1-based): chr17:17,215,202, G>A on the plus strand (C>T on the coding strand, the complement: FLCN is on the minus strand). VCF-style: chr17-17215202-G-A. GRCh37 (hg19) VCF-style: chr17-17118516-G-A.
Other names: c.1415C>T (LRG_325t1, NM_144997.6); c.1469C>T, p.Pro490Leu (NM_001353229.2); c.1415C>T, p.Pro472Leu (NM_001353230.2, NM_001353231.2); short protein forms P472L, P490L.
Identifiers: ClinVar variation 529977 (VCV000529977.20), dbSNP rs1180118315, ClinGen allele CA398531129.

ClinVar aggregate classification (germline): Conflicting classifications of pathogenicity. Review status: criteria provided, conflicting classifications (1 of 4 stars). 6 submissions from 6 submitters: Uncertain significance (3); Likely benign (2). 1 of the submissions does not count toward it. Last evaluated 2025-10-26.

Conditions:
Birt-Hogg-Dube syndrome. Also called: Birt Hogg Dubé syndrome. Identifiers: Orphanet 122, MedGen C0346010, MONDO:0800444.
FLCN-related disorder. Also called: FLCN-related condition.
Hereditary cancer-predisposing syndrome. Also called: Neoplastic Syndromes, Hereditary; Hereditary neoplastic syndrome; Tumor predisposition; Hereditary Cancer Syndrome. Identifiers: Orphanet 140162, MedGen C0027672, MeSH D009386, MONDO:0015356.

Allele frequency attached by ClinVar (database versions not stated): gnomAD 0.00001; TOPMed 0.00002.
gnomAD v4.1: 7 of 1,614,046 alleles (0.00043%); highest among the groups gnomAD compares: African/African-American, 0.0013%; no homozygotes.

Submissions (6):

Labcorp Genetics (formerly Invitae), Labcorp
Classification: Uncertain significance for Birt-Hogg-Dube syndrome. Last evaluated: 2025-10-26. Review status: criteria provided, single submitter. Criteria: Invitae Variant Classification Sherloc (09022015). Collection method: clinical testing. Allele origin: germline.
Comment: This sequence change replaces proline, which is neutral and non-polar, with leucine, which is neutral and non-polar, at codon 472 of the FLCN protein (p.Pro472Leu). This variant is present in population databases (no rsID available, gnomAD 0.01%). This variant has not been reported in the literature in individuals affected with FLCN-related conditions. ClinVar contains an entry for this variant (Variation ID: 529977). Invitae Evidence Modeling of protein sequence and biophysical properties (such as structural, functional, and spatial information, amino acid conservation, physicochemical variation, residue mobility, and thermodynamic stability) indicates that this missense variant is not expected to disrupt FLCN protein function with a negative predictive value of 80%. In summary, the available evidence is currently insufficient to determine the role of this variant in disease. Therefore, it has been classified as a Variant of Uncertain Significance.

Quest Diagnostics Nichols Institute San Juan Capistrano
Classification: Uncertain significance. Last evaluated: 2024-10-17. Review status: criteria provided, single submitter. Criteria: Quest Diagnostics criteria. Collection method: clinical testing. Allele origin: unknown.
Comment: The FLCN c.1415C>T (p.Pro472Leu) variant has not been reported in individuals with FLCN-related conditions in the published literature. The frequency of this variant in the general population, 0.000032 (1/31394 chromosomes (Genome Aggregation Database)), is uninformative in the assessment of its pathogenicity. Analysis of this variant using bioinformatics tools for the prediction of the effect of amino acid changes on protein structure and function yielded predictions that this variant is benign. Based on the available information, we are unable to determine the clinical significance of this variant.

GeneDx
Classification: Uncertain significance. Last evaluated: 2024-08-20. Review status: criteria provided, single submitter. Criteria: GeneDx Variant Classification Process June 2021. Collection method: clinical testing. Allele origin: germline. Affected: yes.
Comment: Not observed at significant frequency in large population cohorts (gnomAD); In silico analysis indicates that this missense variant does not alter protein structure/function; Has not been previously published as pathogenic or benign to our knowledge; This variant is associated with the following publications: (PMID: 17028174)

Myriad Genetics, Inc.
Classification: Likely benign for Birt-Hogg-Dube syndrome 1. Last evaluated: 2023-06-23. Review status: criteria provided, single submitter. Criteria: Myriad Autosomal Dominant, Autosomal Recessive and X-Linked Classification Criteria (2023). Collection method: clinical testing. Allele origin: unknown.
Comment: This variant is considered likely benign. Homozygosity has been confirmed in one or more individuals. As homozygosity for pathogenic variants in this gene is generally assumed to result in embryonic lethality, this variant is unlikely to be pathogenic.

Ambry Genetics
Classification: Likely benign for Hereditary cancer-predisposing syndrome. Last evaluated: 2022-09-20. Review status: criteria provided, single submitter. Criteria: Ambry Variant Classification Scheme 2023. Collection method: clinical testing. Allele origin: germline.

PreventionGenetics, part of Exact Sciences
Classification: Uncertain significance for FLCN-related condition. Last evaluated: 2024-08-07. Review status: no assertion criteria provided. Collection method: clinical testing. Allele origin: germline. Not counted in ClinVar's aggregate classification.
Comment: The FLCN c.1415C>T variant is predicted to result in the amino acid substitution p.Pro472Leu. To our knowledge, this variant has not been reported in the literature. This variant is reported in 0.011% of alleles in individuals of African descent in gnomAD. This variant has conflicting interpretations in ClinVar ranging likely benign to uncertain significance. At this time, the clinical significance of this variant is uncertain due to the absence of conclusive functional and genetic evidence.